The following is an entry in ClinVar:

NM_015450.3(POT1):c.1187A>G (p.Asp396Gly)

Gene: POT1 (protection of telomeres 1; minus strand). Cytogenetic location: 7q31.33.
Variant type: single nucleotide variant.
Coding change: c.1187A>G on transcript NM_015450.3 (MANE Select); coding-DNA position 1187, A replaced by G.
Protein change: p.Asp396Gly; replaces aspartic acid 396 with glycine.
Molecular consequence: missense variant. On other transcripts: non-coding transcript variant (3).
Genome position (GRCh38, 1-based): chr7:124,841,155, T>C on the plus strand (A>G on the coding strand, the complement: POT1 is on the minus strand). VCF-style: chr7-124841155-T-C. GRCh37 (hg19) VCF-style: chr7-124481209-T-C.
Other names: c.794A>G, p.Asp265Gly (NM_001042594.2); short protein forms D396G, D265G.
Identifiers: ClinVar variation 818535 (VCV000818535.14), dbSNP rs1584757355, ClinGen allele CA369067698.

ClinVar aggregate classification (germline): Conflicting classifications of pathogenicity. Review status: criteria provided, conflicting classifications (1 of 4 stars). 2 submissions from 2 submitters: Uncertain significance (1); Likely benign (1). Last evaluated 2024-05-28.

Conditions:
Hereditary cancer-predisposing syndrome. Also called: Tumor predisposition; Hereditary Cancer Syndrome; Hereditary neoplastic syndrome; Neoplastic Syndromes, Hereditary. Identifiers: Orphanet 140162, MedGen C0027672, MeSH D009386, MONDO:0015356.
Tumor predisposition syndrome 3 (TPDS3). Also called: Glioma susceptibility 9; LONG TELOMERE SYNDROME, POT1-RELATED; POT1 Tumor Predisposition; Melanoma, cutaneous malignant, susceptibility to, 10. Identifiers: Orphanet 618, MedGen C4014476, MONDO:0014368, OMIM 615848.

Submissions (2):

Ambry Genetics
Classification: Likely benign for Hereditary cancer-predisposing syndrome. Last evaluated: 2024-05-28. Review status: criteria provided, single submitter. Criteria: Ambry Variant Classification Scheme 2023. Collection method: clinical testing. Allele origin: germline.

Labcorp Genetics (formerly Invitae), Labcorp
Classification: Uncertain significance for Tumor predisposition syndrome 3. Last evaluated: 2020-02-04. Review status: criteria provided, single submitter. Criteria: Invitae Variant Classification Sherloc (09022015). Collection method: clinical testing. Allele origin: germline.
Comment: In summary, the available evidence is currently insufficient to determine the role of this variant in disease. Therefore, it has been classified as a Variant of Uncertain Significance. Algorithms developed to predict the effect of sequence changes on RNA splicing suggest that this variant may create or strengthen a splice site, but this prediction has not been confirmed by published transcriptional studies. Algorithms developed to predict the effect of missense changes on protein structure and function (SIFT, PolyPhen-2, Align-GVGD) all suggest that this variant is likely to be tolerated, but these predictions have not been confirmed by published functional studies and their clinical significance is uncertain. This variant has not been reported in the literature in individuals with POT1-related conditions. This variant is not present in population databases (ExAC no frequency). This sequence change replaces aspartic acid with glycine at codon 396 of the POT1 protein (p.Asp396Gly). The aspartic acid residue is moderately conserved and there is a moderate physicochemical difference between aspartic acid and glycine.